The following is an entry in ClinVar:

NM_005359.6(SMAD4):c.1647A>C (p.Gln549His)

Gene: SMAD4 (SMAD family member 4; plus strand). Cytogenetic location: 18q21.2.
Variant type: single nucleotide variant.
Coding change: c.1647A>C on transcript NM_005359.6 (MANE Select); coding-DNA position 1647, A replaced by C.
Protein change: p.Gln549His; replaces glutamine 549 with histidine.
Molecular consequence: missense variant.
Genome position (GRCh38, 1-based): chr18:51,078,455, A>C. VCF-style: chr18-51078455-A-C. GRCh37 (hg19) VCF-style: chr18-48604825-A-C.
Other names: short protein forms Q549H.
Identifiers: ClinVar variation 1481690 (VCV001481690.6), dbSNP rs113545983, ClinGen allele CA402466222.
Genomic context (GRCh38, chr18:51,078,455, plus strand): 5'-ACACCGGGCCCTCCAGCTCCTAGACGAAGTACTTCATACCATGCCGATTGCAGACCCACA[A>C]CCTTTAGACTGAGGTCTTTTACCGTTGGGGCCCTTAACCTTATCAGGATGGTGGACTACA-3'
Protein context (NP_005350.1, residues 539-552): VLHTMPIADP[Gln549His]PLD

ClinVar aggregate classification (germline): Uncertain significance (1 of 4 stars; one submission).

Conditions:
Juvenile polyposis syndrome (JPS). Identifiers: Orphanet 2929, MedGen C0345893, MONDO:0017380, OMIM 174900.

Submission:

Labcorp Genetics (formerly Invitae), Labcorp
Classification: Uncertain significance for Juvenile polyposis syndrome. Last evaluated: 2021-10-07. Review status: criteria provided, single submitter. Criteria: Invitae Variant Classification Sherloc (09022015). Collection method: clinical testing. Allele origin: germline.
Comment: In summary, the available evidence is currently insufficient to determine the role of this variant in disease. Therefore, it has been classified as a Variant of Uncertain Significance. Advanced modeling of protein sequence and biophysical properties (such as structural, functional, and spatial information, amino acid conservation, physicochemical variation, residue mobility, and thermodynamic stability) performed at Invitae indicates that this missense variant is not expected to disrupt SMAD4 protein function. This variant has not been reported in the literature in individuals affected with SMAD4-related conditions. This variant is not present in population databases (ExAC no frequency). This sequence change replaces glutamine with histidine at codon 549 of the SMAD4 protein (p.Gln549His). The glutamine residue is moderately conserved and there is a small physicochemical difference between glutamine and histidine.